The following is an entry in ClinVar:

ClinVar aggregate classification (germline): Likely pathogenic. Review status: criteria provided, multiple submitters, no conflicts (2 of 4 stars). 4 submissions from 4 submitters: Likely pathogenic (4). Last evaluated 2026-01-02.

Conditions:
TCTN1-related disorder. Also called: TCTN1-related condition.
Joubert syndrome 13 (JBTS13). Identifiers: Orphanet 475, MedGen C3280031, MONDO:0013608, OMIM 614173.
Meckel-Gruber syndrome. Also called: Dysencephalia splachnocystica; GRUBER SYNDROME; DYSENCEPHALIA SPLANCHNOCYSTICA. Identifiers: Orphanet 564, MedGen C0265215, MONDO:0018921.
Joubert syndrome. Also called: Familial aplasia of the vermis; JOUBERT-BOLTSHAUSER SYNDROME. Identifiers: Orphanet 475, MedGen C5979921, MONDO:0018772.

Allele frequency attached by ClinVar (database versions not stated): TOPMed 0.00005; gnomAD 0.00006; gnomAD exomes 0.00006 and 0.00020; ExAC 0.00007; ESP Exome Variant Server 0.00016.

Submissions (5):

Labcorp Genetics (formerly Invitae), Labcorp
Classification: Likely pathogenic for Joubert syndrome; Meckel-Gruber syndrome. Last evaluated: 2026-01-02. Review status: criteria provided, single submitter. Criteria: Invitae Variant Classification Sherloc (09022015). Collection method: clinical testing. Allele origin: germline.
Comment: This sequence change affects a donor splice site in intron 2 of the TCTN1 gene. It is expected to disrupt RNA splicing. Variants that disrupt the donor or acceptor splice site typically lead to a loss of protein function (PMID: 16199547), and loss-of-function variants in TCTN1 are known to be pathogenic (PMID: 21725307, 22693042, 27894351). This variant is present in population databases (rs200241085, gnomAD 0.01%). This variant has not been reported in the literature in individuals affected with TCTN1-related conditions. ClinVar contains an entry for this variant (Variation ID: 1186116). Algorithms developed to predict the effect of sequence changes on RNA splicing suggest that this variant may disrupt the consensus splice site. In summary, the currently available evidence indicates that the variant is pathogenic, but additional data are needed to prove that conclusively. Therefore, this variant has been classified as Likely Pathogenic.

GeneDx
Classification: Likely pathogenic. Last evaluated: 2024-05-16. Review status: criteria provided, single submitter. Criteria: GeneDx Variant Classification Process June 2021. Collection method: clinical testing. Allele origin: germline. Affected: yes.
Comment: Identified in the heterozygous state in an individual with Joubert syndrome who also harbored compound heterozygous variants in the CC2D2A gene (PMID: 25920555); Canonical splice site variant predicted to result in a null allele in a gene for which loss of function is a known mechanism of disease; Not observed at significant frequency in large population cohorts (gnomAD); This variant is associated with the following publications: (PMID: 25920555)

Blueprint Genetics
Classification: Likely pathogenic for TCTN1-related disorders. Last evaluated: 2023-09-14. Review status: criteria provided, single submitter. Criteria: ACMG Guidelines, 2015. Collection method: clinical testing. Allele origin: germline. Affected: yes. Observed: 5 variant alleles.

Victorian Clinical Genetics Services, Murdoch Childrens Research Institute
Classification: Likely pathogenic for Joubert syndrome 13. Last evaluated: 2022-02-02. Review status: criteria provided, single submitter. Criteria: ACMG Guidelines, 2015. Collection method: clinical testing. Allele origin: germline. Inheritance: Autosomal recessive inheritance.
Comment: Based on the classification scheme VCGS_Germline_v1.3.4, this variant is classified as Likely pathogenic. Following criteria are met: 0102 - Loss of function is a known mechanism of disease in this gene and is associated with Joubert syndrome 13 (MIM#614173). (I) 0106 - This gene is associated with autosomal recessive disease. (I) 0211 - Canonical splice site variant without proven consequence on splicing (no functional evidence available). (SP) 0251 - This variant is heterozygous. (I) 0304 - Variant is present in gnomAD (v2) <0.01 for a recessive condition (17 heterozygotes, 0 homozygotes). (SP) 0505 - Abnormal splicing is predicted by in silico tools and affected nucleotide is highly conserved. (SP) 0705 - No comparable canonical splice variants in the same intron-exon junction have previous evidence for pathogenicity. (I) 0803 - This variant has limited previous evidence of pathogenicity in unrelated individuals. This variant has been reported as likely pathogenic in ClinVar. It has also been reported in a heterozygous state in an individual with Joubert syndrome, however this individual also had 2 likely causative variants in another gene CC2D2A (PMID: 25920555). (SP) 0905 - No published segregation evidence has been identified for this variant. (I) 1007 - No published functional evidence has been identified for this variant. (I) 1208 - Inheritance information for this variant is not currently available in this individual. (I) Legend: (SP) - Supporting pathogenic, (I) - Information, (SB) - Supporting benign

Dr. Peter K. Rogan Lab, Western University
No classification provided (evidence only). Condition: Malignant tumor of urinary bladder. Review status: no classification provided. Collection method: in vitro. Allele origin: not applicable. Functional consequence: skipped exon. Not counted in ClinVar's aggregate classification.

Literature cited by the submitters: PubMed 16199547 (cited by Labcorp Genetics (formerly Invitae), Labcorp); PubMed 21725307 (cited by Labcorp Genetics (formerly Invitae), Labcorp); PubMed 22693042 (cited by Labcorp Genetics (formerly Invitae), Labcorp); PubMed 27894351 (cited by Labcorp Genetics (formerly Invitae), Labcorp); PubMed 25920555 (cited by Victorian Clinical Genetics Services, Murdoch Childrens Research Institute).

NM_001082538.3(TCTN1):c.341+1G>A

Gene: TCTN1 (tectonic family member 1; plus strand). Cytogenetic location: 12q24.11.
Variant type: single nucleotide variant.
Coding change: c.341+1G>A on transcript NM_001082538.3 (MANE Select); the canonical splice donor site of the intron after coding-DNA position 341, G replaced by A.
Molecular consequence: splice donor variant.
Genome position (GRCh38, 1-based): chr12:110,619,957, G>A. VCF-style: chr12-110619957-G-A. GRCh37 (hg19) VCF-style: chr12-111057762-G-A.
Other names: c.173+1G>A (NM_001173975.3, NM_001319682.3); c.161+1G>A (NM_001173976.2); c.-367+1G>A (NM_001319681.2); c.341+1G>A (NM_024549.6, NM_001082537.3, NM_001319680.2).
Identifiers: ClinVar variation 1186116 (VCV001186116.12), dbSNP rs200241085, ClinGen allele CA6786526.
Genomic context (GRCh38, chr12:110,619,957, plus strand): 5'-TCCCGACTGCAGCTCCGTGGATTTCAGTGTCTTTTCTGCCTGCTCAGTTCCAGTTGTCAC[G>A]TAAGTTTACGTATGACACATGCAATTTTGAAAAAATTTGACCAGGATAATACAATTTGGA-3'